The following is an entry in ClinVar:

NM_025243.4(SLC19A3):c.1442T>C (p.Val481Ala)

Gene: SLC19A3 (solute carrier family 19 member 3; minus strand). Cytogenetic location: 2q36.3.
Variant type: single nucleotide variant.
Coding change: c.1442T>C on transcript NM_025243.4 (MANE Select); coding-DNA position 1442, T replaced by C.
Protein change: p.Val481Ala; replaces valine 481 with alanine.
Molecular consequence: missense variant.
Genome position (GRCh38, 1-based): chr2:227,687,446, A>G on the plus strand (T>C on the coding strand, the complement: SLC19A3 is on the minus strand). VCF-style: chr2-227687446-A-G. GRCh37 (hg19) VCF-style: chr2-228552162-A-G.
Other names: short protein forms V481A.
Identifiers: ClinVar variation 334877 (VCV000334877.10), dbSNP rs779422483, ClinGen allele CA2149075.

ClinVar aggregate classification (germline): Uncertain significance. Review status: criteria provided, multiple submitters, no conflicts (2 of 4 stars). 3 submissions from 3 submitters: Uncertain significance (3). Last evaluated 2024-12-26.

Conditions:
Biotin-responsive basal ganglia disease (BTBGD). Also called: Thiamine Transporter-2 Deficiency; THIAMINE METABOLISM DYSFUNCTION SYNDROME 2 (BIOTIN- AND THIAMINE-RESPONSIVE TYPE); Thiamine metabolism dysfunction syndrome type 2; Thiamine metabolism dysfunction syndrome 2 (biotin- or thiamine-responsive encephalopathy type 2); thiamine-responsive encephalopathy. Identifiers: Orphanet 199348, Orphanet 65284, MedGen C1843807, MONDO:0011841, OMIM 607483.

Allele frequency attached by ClinVar (database versions not stated): TOPMed 0.00002; ExAC 0.00003; gnomAD 0.00003 and 0.00004; gnomAD exomes 0.00003.

Submissions (3):

GeneDx
Classification: Uncertain significance. Last evaluated: 2024-12-26. Review status: criteria provided, single submitter. Criteria: GeneDx Variant Classification Process June 2021. Collection method: clinical testing. Allele origin: germline. Affected: yes.
Comment: Not observed at significant frequency in large population cohorts (gnomAD); In silico analysis indicates that this missense variant does not alter protein structure/function; Has not been previously published as pathogenic or benign to our knowledge

Labcorp Genetics (formerly Invitae), Labcorp
Classification: Uncertain significance for Biotin-responsive basal ganglia disease. Last evaluated: 2023-12-21. Review status: criteria provided, single submitter. Criteria: Invitae Variant Classification Sherloc (09022015). Collection method: clinical testing. Allele origin: germline.
Comment: This sequence change replaces valine, which is neutral and non-polar, with alanine, which is neutral and non-polar, at codon 481 of the SLC19A3 protein (p.Val481Ala). This variant is present in population databases (rs779422483, gnomAD 0.006%). This variant has not been reported in the literature in individuals affected with SLC19A3-related conditions. ClinVar contains an entry for this variant (Variation ID: 334877). Advanced modeling of protein sequence and biophysical properties (such as structural, functional, and spatial information, amino acid conservation, physicochemical variation, residue mobility, and thermodynamic stability) performed at Invitae indicates that this missense variant is not expected to disrupt SLC19A3 protein function with a negative predictive value of 95%. In summary, the available evidence is currently insufficient to determine the role of this variant in disease. Therefore, it has been classified as a Variant of Uncertain Significance.

Illumina Laboratory Services, Illumina
Classification: Uncertain significance for Biotin-responsive basal ganglia disease. Last evaluated: 2018-01-13. Review status: criteria provided, single submitter. Criteria: ICSL Variant Classification Criteria 13 December 2019. Collection method: clinical testing. Allele origin: germline.